The following is an entry in ClinVar:

ClinVar aggregate classification (germline): Uncertain significance (1 of 4 stars; one submission).

Conditions:
Alstrom syndrome (ALMS). Identifiers: Orphanet 64, MedGen C0268425, MONDO:0008763, OMIM 203800.

Allele frequency attached by ClinVar (database versions not stated): gnomAD exomes below 0.00001; 1000 Genomes Project 30x 0.00016.
gnomAD v4.1: 1 of 1,614,244 alleles (0.000062%); highest among the groups gnomAD compares: Non-Finnish European, 0.000085%; no homozygotes.

Submission:

Labcorp Genetics (formerly Invitae), Labcorp
Classification: Uncertain significance for Alstrom syndrome. Last evaluated: 2022-03-27. Review status: criteria provided, single submitter. Criteria: Invitae Variant Classification Sherloc (09022015). Collection method: clinical testing. Allele origin: germline.
Comment: This variant is not present in population databases (gnomAD no frequency). In summary, the available evidence is currently insufficient to determine the role of this variant in disease. Therefore, it has been classified as a Variant of Uncertain Significance. Experimental studies and prediction algorithms are not available or were not evaluated, and the functional significance of this variant is currently unknown. This variant has not been reported in the literature in individuals affected with ALMS1-related conditions. This sequence change replaces glutamic acid, which is acidic and polar, with glycine, which is neutral and non-polar, at codon 2675 of the ALMS1 protein (p.Glu2675Gly).

NM_001378454.1(ALMS1):c.8021A>G (p.Glu2674Gly)

Gene: ALMS1 (ALMS1 centrosome and basal body associated protein; plus strand). Cytogenetic location: 2p13.1.
Variant type: single nucleotide variant.
Coding change: c.8021A>G on transcript NM_001378454.1 (MANE Select); coding-DNA position 8021, A replaced by G.
Protein change: p.Glu2674Gly; replaces glutamic acid 2674 with glycine.
Molecular consequence: missense variant.
Genome position (GRCh38, 1-based): chr2:73,489,980, A>G. VCF-style: chr2-73489980-A-G. GRCh37 (hg19) VCF-style: chr2-73717107-A-G.
Other names: c.8024A>G, p.Glu2675Gly (NM_015120.4); short protein forms E2674G, E2675G.
Identifiers: ClinVar variation 2417456 (VCV002417456.6), dbSNP rs2103890327, ClinGen allele CA347266957.